The following is an entry in ClinVar:

ClinVar aggregate classification (germline): Conflicting classifications of pathogenicity. Review status: criteria provided, conflicting classifications (1 of 4 stars). 5 submissions from 5 submitters: Uncertain significance (2); Likely benign (3). Last evaluated 2026-01-11.

Conditions:
Hereditary cancer-predisposing syndrome. Also called: Hereditary neoplastic syndrome; Neoplastic Syndromes, Hereditary; Tumor predisposition; Hereditary Cancer Syndrome. Identifiers: Orphanet 140162, MedGen C0027672, MeSH D009386, MONDO:0015356.
Birt-Hogg-Dube syndrome 1 (BHD1). Also called: FIBROFOLLICULOMAS WITH TRICHODISCOMAS AND ACROCHORDONS. Identifiers: Orphanet 122, MedGen CN375946, MONDO:0800445, OMIM 135150.
Birt-Hogg-Dube syndrome. Also called: Birt Hogg Dubé syndrome. Identifiers: Orphanet 122, MedGen C0346010, MONDO:0800444.

Allele frequency attached by ClinVar (database versions not stated): ExAC 0.00002; gnomAD exomes 0.00004; gnomAD 0.00005; TOPMed 0.00005; 1000 Genomes Project 30x 0.00016; 1000 Genomes Project 0.00020.
gnomAD v4.1: 69 of 1,613,710 alleles (0.0043%); highest among the groups gnomAD compares: African/African-American, 0.0053%; no homozygotes.

Submissions (5):

Labcorp Genetics (formerly Invitae), Labcorp
Classification: Likely benign for Birt-Hogg-Dube syndrome. Last evaluated: 2026-01-11. Review status: criteria provided, single submitter. Criteria: Invitae Variant Classification Sherloc (09022015). Collection method: clinical testing. Allele origin: germline.

Myriad Genetics, Inc.
Classification: Likely benign for Birt-Hogg-Dube syndrome 1. Last evaluated: 2024-10-24. Review status: criteria provided, single submitter. Criteria: Myriad Autosomal Dominant, Autosomal Recessive and X-Linked Classification Criteria (2023). Collection method: clinical testing. Allele origin: unknown.
Comment: This variant is considered likely benign. This variant has been observed at a population frequency that is significantly greater than expected given the associated disease prevalence and penetrance.

GeneDx
Classification: Uncertain significance. Last evaluated: 2023-11-08. Review status: criteria provided, single submitter. Criteria: GeneDx Variant Classification Process June 2021. Collection method: clinical testing. Allele origin: germline. Affected: yes.
Comment: Has not been previously published as pathogenic or benign to our knowledge; In silico analysis supports that this missense variant does not alter protein structure/function; This variant is associated with the following publications: (PMID: 27149842, 17028174)

Ambry Genetics
Classification: Likely benign for Hereditary cancer-predisposing syndrome. Last evaluated: 2022-08-02. Review status: criteria provided, single submitter. Criteria: Ambry Variant Classification Scheme 2023. Collection method: clinical testing. Allele origin: germline.

Laboratory of Medical Genetics, National & Kapodistrian University of Athens
Classification: Uncertain significance for Birt-Hogg-Dube syndrome 1. Last evaluated: 2018-06-10. Review status: criteria provided, single submitter. Criteria: ACMG Guidelines, 2015. Collection method: clinical testing. Allele origin: de novo. Affected: yes.
Comment: PP3

NM_144997.7(FLCN):c.1265C>T (p.Pro422Leu)

Gene: FLCN (folliculin; minus strand). Cytogenetic location: 17p11.2.
Variant type: single nucleotide variant.
Coding change: c.1265C>T on transcript NM_144997.7 (MANE Select); coding-DNA position 1265, C replaced by T.
Protein change: p.Pro422Leu; replaces proline 422 with leucine.
Molecular consequence: missense variant.
Genome position (GRCh38, 1-based): chr17:17,216,415, G>A on the plus strand (C>T on the coding strand, the complement: FLCN is on the minus strand). VCF-style: chr17-17216415-G-A. GRCh37 (hg19) VCF-style: chr17-17119729-G-A.
Other names: c.1265C>T (LRG_325t1); c.1319C>T, p.Pro440Leu (NM_001353229.2); c.1265C>T, p.Pro422Leu (NM_001353230.2, NM_001353231.2); short protein forms P422L, P440L.
Identifiers: ClinVar variation 409390 (VCV000409390.20), dbSNP rs565447853, ClinGen allele CA8416084.